The following is an entry in ClinVar:

NM_000179.3(MSH6):c.3305C>G (p.Thr1102Ser)

Gene: MSH6 (mutS homolog 6; plus strand). Cytogenetic location: 2p16.3.
Variant type: single nucleotide variant.
Coding change: c.3305C>G on transcript NM_000179.3 (MANE Select); coding-DNA position 3305, C replaced by G.
Protein change: p.Thr1102Ser; replaces threonine 1102 with serine.
Molecular consequence: missense variant.
Genome position (GRCh38, 1-based): chr2:47,803,552, C>G. VCF-style: chr2-47803552-C-G. GRCh37 (hg19) VCF-style: chr2-48030691-C-G.
Other names: c.2915C>G, p.Thr972Ser (NM_001281492.2); c.2399C>G, p.Thr800Ser (NM_001281493.2, NM_001281494.2); short protein forms T1102S, T800S, T972S.
Identifiers: ClinVar variation 525777 (VCV000525777.16), dbSNP rs1553331510, ClinGen allele CA346758551.

ClinVar aggregate classification (germline): Conflicting classifications of pathogenicity. Review status: criteria provided, conflicting classifications (1 of 4 stars). 4 submissions from 4 submitters: Uncertain significance (3); Likely benign (1). Last evaluated 2025-08-01.

Conditions:
Endometrial carcinoma. Also called: Endometrial carcinoma, somatic. Identifiers: MedGen C0476089, MONDO:0002447, OMIM 608089, HP:0012114.
Hereditary nonpolyposis colorectal neoplasms. Identifiers: MedGen C0009405, MeSH D003123.
Hereditary cancer-predisposing syndrome. Also called: Neoplastic Syndromes, Hereditary; Tumor predisposition; Hereditary Cancer Syndrome; Hereditary neoplastic syndrome. Identifiers: Orphanet 140162, MedGen C0027672, MeSH D009386, MONDO:0015356.

Allele frequency attached by ClinVar (database versions not stated): gnomAD exomes below 0.00001; TOPMed below 0.00001; gnomAD 0.00001.
gnomAD v4.1: 3 of 1,613,934 alleles (0.00019%); highest among the groups gnomAD compares: Admixed American, 0.005%; no homozygotes.

Submissions (4):

Ambry Genetics
Classification: Uncertain significance for Hereditary cancer-predisposing syndrome. Last evaluated: 2025-08-01. Review status: criteria provided, single submitter. Criteria: Ambry Variant Classification Scheme 2023. Collection method: clinical testing. Allele origin: germline.
Comment: The p.T1102S variant (also known as c.3305C>G), located in coding exon 5 of the MSH6 gene, results from a C to G substitution at nucleotide position 3305. The threonine at codon 1102 is replaced by serine, an amino acid with similar properties. This amino acid position is well conserved in available vertebrate species. In addition, the in silico prediction for this alteration is inconclusive. Based on the available evidence, the clinical significance of this variant remains unclear.

Color Diagnostics, LLC DBA Color Health
Classification: Uncertain significance for Hereditary cancer-predisposing syndrome. Last evaluated: 2023-12-04. Review status: criteria provided, single submitter. Criteria: ACMG Guidelines, 2015. Collection method: clinical testing. Allele origin: germline.
Comment: This missense variant replaces threonine with serine at codon 1102 of the MSH6 protein. Computational prediction is inconclusive regarding the impact of this variant on protein structure and function (internally defined REVEL score threshold 0.5 < inconclusive < 0.7, PMID: 27666373). To our knowledge, functional studies have not been reported for this variant. This variant has not been reported in individuals affected with MSH6-related disorders in the literature. This variant has been identified in 1/251428 chromosomes in the general population by the Genome Aggregation Database (gnomAD). The available evidence is insufficient to determine the role of this variant in disease conclusively. Therefore, this variant is classified as a Variant of Uncertain Significance.

Labcorp Genetics (formerly Invitae), Labcorp
Classification: Likely benign for Hereditary nonpolyposis colorectal neoplasms. Last evaluated: 2023-10-13. Review status: criteria provided, single submitter. Criteria: Invitae Variant Classification Sherloc (09022015). Collection method: clinical testing. Allele origin: germline.

Baylor Genetics
Classification: Uncertain significance for Endometrial carcinoma. Last evaluated: 2023-05-30. Review status: criteria provided, single submitter. Criteria: ACMG Guidelines, 2015. Collection method: clinical testing. Allele origin: unknown.